The following is an entry in ClinVar:

ClinVar aggregate classification (germline): Pathogenic (1 of 4 stars; one submission).

Conditions:
6-Pyruvoyl-tetrahydrobiopterin synthase deficiency. Also called: HYPERPHENYLALANINEMIA, TETRAHYDROBIOPTERIN-DEFICIENT, DUE TO PTS DEFICIENCY; Hyperphenylalanemia, BH4-deficient, A; Hyperphenylalaninemia due to 6-pyruvoyl-tetrahydropterin synthase deficiency; PTS DEFICIENCY; 6-Pyruvoyltetrahydropterin Synthase Deficiency; BH4-deficient hyperphenylalaninemia A. Identifiers: Orphanet 13, Orphanet 238583, MedGen C0878676, MONDO:0009863, OMIM 261640.

Submission:

Myriad Genetics, Inc.
Classification: Pathogenic for 6-Pyruvoyl-tetrahydrobiopterin synthase deficiency. Last evaluated: 2023-09-27. Review status: criteria provided, single submitter. Criteria: Myriad Autosomal Dominant, Autosomal Recessive and X-Linked Classification Criteria (2023). Collection method: clinical testing. Allele origin: unknown.
Comment: NM_000317.2(PTS):c.73dupC(R25Pfs*5) is expected to be pathogenic in the context of 6-pyruvoyl-tetrahydropterin synthase deficiency. This variant is predicted to lead to an abnormal or absent protein product due to the creation of a premature termination codon in PTS, a gene where loss-of-function variants are known to be pathogenic. Please note: this variant was assessed in the context of healthy population screening.

NM_000317.3(PTS):c.73dup (p.Arg25fs)

Genes: PTS (6-pyruvoyltetrahydropterin synthase; plus strand), LOC130006765 (ATAC-STARR-seq lymphoblastoid silent region 3906; plus strand). Cytogenetic location: 11q23.1.
Variant type: Duplication.
Coding change: c.73dup on transcript NM_000317.3 (MANE Select); coding-DNA position 73, one base duplicated (C; older notation c.73dupC).
Protein change: p.Arg25fs; shifts the reading frame from arginine 25.
Molecular consequence: frameshift variant.
Genome position (GRCh38, 1-based): chr11:112,226,516, C duplicated; the last of 2 consecutive C bases (chr11:112,226,515-112,226,516); duplicating either gives the same sequence. VCF-style (leftmost placement, unchanged base first): chr11-112226514-A-AC. GRCh37 (hg19) VCF-style: chr11-112097237-A-AC.
Other names: short protein forms R25fs.
Identifiers: ClinVar variation 5011830 (VCV005011830.1).
Genomic context (GRCh38, chr11:112,226,514, plus strand): 5'-AAGGTGGTGGCCGTCGCTGCCAGGCACAAGTGTCCCGCCGCATCTCCTTCAGCGCGAGCC[A>AC]CCGATTGTACAGGTAGGGTGTGCACACAGGTACAGCGGCGGGCGGTGGGCGCCGGGCCCC-3'